The following is an entry in ClinVar:

ClinVar aggregate classification (germline): Benign/Likely benign. Review status: criteria provided, multiple submitters, no conflicts (2 of 4 stars). 3 submissions from 3 submitters: Benign (2); Likely benign (1). Last evaluated 2023-01-01.

Allele frequency attached by ClinVar (database versions not stated): 1000 Genomes Project 0.00220; 1000 Genomes Project 30x 0.00234; ExAC 0.00317; gnomAD exomes 0.00321 and 0.00434; TOPMed 0.00334; ESP Exome Variant Server 0.00346; gnomAD 0.00355 and 0.00367.
gnomAD v4.1: 6,860 of 1,614,154 alleles (0.42%); highest among the groups gnomAD compares: Middle Eastern, 0.69%; 13 homozygotes.

Submissions (3):

CeGaT Center for Human Genetics Tuebingen
Classification: Likely benign. Last evaluated: 2023-01-01. Review status: criteria provided, single submitter. Criteria: CeGaT Center For Human Genetics Tuebingen Variant Classification Criteria Version 2. Collection method: clinical testing. Allele origin: germline. Affected: yes. Observed: 1 variant allele.
Comment: NFATC2: BP4, BP7, BS2

Labcorp Genetics (formerly Invitae), Labcorp
Classification: Benign. Last evaluated: 2019-12-31. Review status: criteria provided, single submitter. Criteria: Invitae Variant Classification Sherloc (09022015). Collection method: clinical testing. Allele origin: germline.

Breakthrough Genomics
Classification: Benign. Review status: criteria provided, single submitter. Criteria: ACMG Guidelines, 2015. Collection method: not provided. Allele origin: germline. Inheritance: Autosomal recessive inheritance. Affected: yes.

NM_012340.5(NFATC2):c.1224C>T (p.Tyr408=)

Gene: NFATC2 (nuclear factor of activated T cells 2; minus strand). Cytogenetic location: 20q13.2.
Variant type: single nucleotide variant.
Coding change: c.1224C>T on transcript NM_012340.5 (MANE Select); coding-DNA position 1224, C replaced by T.
Protein change: p.Tyr408=; no amino-acid change (tyrosine 408 retained).
Molecular consequence: synonymous variant.
Genome position (GRCh38, 1-based): chr20:51,516,892, G>A on the plus strand (C>T on the coding strand, the complement: NFATC2 is on the minus strand). VCF-style: chr20-51516892-G-A. GRCh37 (hg19) VCF-style: chr20-50133431-G-A.
Other names: c.1164C>T, p.Tyr388= (NM_001136021.3, NM_001258292.2); c.567C>T, p.Tyr189= (NM_001258294.2, NM_001258295.2, NM_001258296.2 and 1 more transcripts); c.1224C>T, p.Tyr408= (NM_173091.4).
Identifiers: ClinVar variation 715837 (VCV000715837.33), dbSNP rs41307211, ClinGen allele CA9910459.
Genomic context (GRCh38, chr20:51,516,892, plus strand): 5'-GCCTTCTGTCTCATAGTGGGCCCGGTGATGTGGCTTGGGCTGCACCTCGATCCGCAGCTC[G>A]TAAGAGCCTGACTGACTGGACAGCGGCCACTCAAGTGGAGGGAGGGATGCAGTCACTGGG-3'
Protein context (NP_036472.2, residues 398-418): EWPLSSQSGS[Tyr408=]ELRIEVQPKP